The following is an entry in ClinVar:

ClinVar aggregate classification (germline): Uncertain significance. Review status: criteria provided, multiple submitters, no conflicts (2 of 4 stars). 2 submissions from 2 submitters: Uncertain significance (2). Last evaluated 2026-04-01.

gnomAD v4.1: 165 of 1,613,608 alleles (0.01%); highest among the groups gnomAD compares: Middle Eastern, 0.05%; no homozygotes.

Submissions (2):

CeGaT Center for Human Genetics Tuebingen
Classification: Uncertain significance. Last evaluated: 2026-04-01. Review status: criteria provided, single submitter. Criteria: CeGaT Center For Human Genetics Tuebingen Variant Classification Criteria Version 2. Collection method: clinical testing. Allele origin: germline. Affected: yes. Observed: 1 variant allele.
Comment: SVIL: PM2

Ambry Genetics
Classification: Uncertain significance. Last evaluated: 2024-08-14. Review status: criteria provided, single submitter. Criteria: Ambry Variant Classification Scheme 2023. Collection method: clinical testing. Allele origin: germline.

NM_021738.3(SVIL):c.2183G>A (p.Arg728His)

Gene: SVIL (supervillin; minus strand). Cytogenetic location: 10p11.23.
Variant type: single nucleotide variant.
Coding change: c.2183G>A on transcript NM_021738.3 (MANE Select); coding-DNA position 2183, G replaced by A.
Protein change: p.Arg728His; replaces arginine 728 with histidine.
Molecular consequence: missense variant.
Genome position (GRCh38, 1-based): chr10:29,529,768, C>T on the plus strand (G>A on the coding strand, the complement: SVIL is on the minus strand). VCF-style: chr10-29529768-C-T. GRCh37 (hg19) VCF-style: chr10-29818697-C-T.
Other names: c.1253G>A, p.Arg418His (NM_001323599.2); c.1001G>A, p.Arg334His (NM_001323600.1, NM_003174.3); short protein forms R418H, R728H, R334H.
Identifiers: ClinVar variation 3451607 (VCV003451607.3).